The following is an entry in ClinVar:

ClinVar aggregate classification (germline): Uncertain significance (1 of 4 stars; one submission).

gnomAD v4.1: 15 of 1,609,532 alleles (0.00093%); highest among the groups gnomAD compares: African/African-American, 0.004%; no homozygotes.

Submission:

Labcorp Genetics (formerly Invitae), Labcorp
Classification: Uncertain significance. Last evaluated: 2026-01-12. Review status: criteria provided, single submitter. Criteria: Invitae Variant Classification Sherloc (09022015). Collection method: clinical testing. Allele origin: germline.
Comment: This sequence change replaces arginine, which is basic and polar, with tryptophan, which is neutral and slightly polar, at codon 222 of the ADAMTS17 protein (p.Arg222Trp). This variant is present in population databases (rs780526823, gnomAD 0.007%). This variant has not been reported in the literature in individuals affected with ADAMTS17-related conditions. An algorithm developed to predict the effect of missense changes on protein structure and function (PolyPhen-2) suggests that this variant is likely to be disruptive. In summary, the available evidence is currently insufficient to determine the role of this variant in disease. Therefore, it has been classified as a Variant of Uncertain Significance.

NM_139057.4(ADAMTS17):c.664C>T (p.Arg222Trp)

Gene: ADAMTS17 (ADAM metallopeptidase with thrombospondin type 1 motif 17; minus strand). Cytogenetic location: 15q26.3.
Variant type: single nucleotide variant.
Coding change: c.664C>T on transcript NM_139057.4 (MANE Select); coding-DNA position 664, C replaced by T.
Protein change: p.Arg222Trp; replaces arginine 222 with tryptophan.
Molecular consequence: missense variant.
Genome position (GRCh38, 1-based): chr15:100,281,354, G>A on the plus strand (C>T on the coding strand, the complement: ADAMTS17 is on the minus strand). VCF-style: chr15-100281354-G-A. GRCh37 (hg19) VCF-style: chr15-100821559-G-A.
Other names: short protein forms R222W.
Identifiers: ClinVar variation 4735491 (VCV004735491.1).